The following is an entry in ClinVar:

NM_000321.3(RB1):c.276T>G (p.Ile92Met)

Gene: RB1 (RB transcriptional corepressor 1; plus strand). Cytogenetic location: 13q14.2.
Variant type: single nucleotide variant.
Coding change: c.276T>G on transcript NM_000321.3 (MANE Select); coding-DNA position 276, T replaced by G.
Protein change: p.Ile92Met; replaces isoleucine 92 with methionine.
Molecular consequence: missense variant.
Genome position (GRCh38, 1-based): chr13:48,342,610, T>G. VCF-style: chr13-48342610-T-G. GRCh37 (hg19) VCF-style: chr13-48916746-T-G.
Other names: short protein forms I92M.
Identifiers: ClinVar variation 458162 (VCV000458162.9), dbSNP rs1555282772, ClinGen allele CA388252332.

ClinVar aggregate classification (germline): Uncertain significance. Review status: criteria provided, multiple submitters, no conflicts (2 of 4 stars). 2 submissions from 2 submitters: Uncertain significance (2). Last evaluated 2018-10-31.

Conditions:
Bone osteosarcoma. Also called: Osteosarcoma, somatic. Identifiers: Orphanet 668, MedGen C0585442, MONDO:0002629, OMIM 259500.
Small cell lung carcinoma. Also called: Small cell lung cancer; SMALL CELL CANCER OF THE LUNG, SOMATIC; Lung oat cell carcinoma. Identifiers: Orphanet 70573, MedGen C0149925, MeSH D055752, MONDO:0008433, OMIM 182280, HP:0030357.
Malignant tumor of urinary bladder. Also called: Urinary bladder cancer; Urinary Bladder Neoplasms; Bladder cancer. Identifiers: MedGen C0005684, MONDO:0001187, OMIM 109800.
Retinoblastoma (RB1). Also called: RETINOBLASTOMA, SOMATIC. Identifiers: Orphanet 790, MedGen C0035335, MeSH D012175, MONDO:0008380, OMIM 180200, HP:0009919. Disease mechanism: loss of function. Inheritance: Both sporadic and heritable forms are tested..

Submissions (2):

Fulgent Genetics
Classification: Uncertain significance for Malignant tumor of urinary bladder; Retinoblastoma; Small cell lung carcinoma; Bone osteosarcoma. Last evaluated: 2018-10-31. Review status: criteria provided, single submitter. Criteria: ACMG Guidelines, 2015. Collection method: clinical testing. Allele origin: unknown.

Labcorp Genetics (formerly Invitae), Labcorp
Classification: Uncertain significance for Retinoblastoma. Last evaluated: 2017-07-03. Review status: criteria provided, single submitter. Criteria: Invitae Variant Classification Sherloc (09022015). Collection method: clinical testing. Allele origin: germline.
Comment: In summary, the available evidence is currently insufficient to determine the role of this variant in disease. Therefore, it has been classified as a Variant of Uncertain Significance. Algorithms developed to predict the effect of missense changes on protein structure and function (SIFT, PolyPhen-2, Align-GVGD) all suggest that this variant is likely to be tolerated, but these predictions have not been confirmed by published functional studies and their clinical significance is uncertain. This variant has not been reported in the literature in individuals with RB1-related disease. This variant is not present in population databases (ExAC no frequency). This sequence change replaces isoleucine with methionine at codon 92 of the RB1 protein (p.Ile92Met). The isoleucine residue is weakly conserved and there is a small physicochemical difference between isoleucine and methionine.